The following is an entry in ClinVar:

NM_000388.4(CASR):c.3118C>A (p.Gln1040Lys)

Gene: CASR (calcium sensing receptor; plus strand). Cytogenetic location: 3q21.1.
Variant type: single nucleotide variant.
Coding change: c.3118C>A on transcript NM_000388.4 (MANE Select); coding-DNA position 3118, C replaced by A.
Protein change: p.Gln1040Lys; replaces glutamine 1040 with lysine.
Molecular consequence: missense variant.
Genome position (GRCh38, 1-based): chr3:122,285,072, C>A. VCF-style: chr3-122285072-C-A. GRCh37 (hg19) VCF-style: chr3-122003919-C-A.
Other names: c.3148C>A, p.Gln1050Lys (NM_001178065.2); short protein forms Q1040K, Q1050K.
Identifiers: ClinVar variation 3231572 (VCV003231572.1), dbSNP rs1007139212, ClinGen allele CA354161469.

ClinVar aggregate classification (germline): Uncertain significance (1 of 4 stars; one submission).

Conditions:
Nephrolithiasis/nephrocalcinosis. Identifiers: MedGen CN580796.

Submission:

Ambry Genetics
Classification: Uncertain significance for Nephrolithiasis/nephrocalcinosis. Last evaluated: 2023-07-29. Review status: criteria provided, single submitter. Criteria: Ambry Variant Classification Scheme 2023. Collection method: clinical testing. Allele origin: germline.
Comment: The p.Q1040K variant (also known as c.3118C>A), located in coding exon 6 of the CASR gene, results from a C to A substitution at nucleotide position 3118. The glutamine at codon 1040 is replaced by lysine, an amino acid with similar properties. This amino acid position is conserved. In addition, this alteration is predicted to be tolerated by in silico analysis. Since supporting evidence is limited at this time, the clinical significance of this alteration remains unclear.